The following is an entry in ClinVar:

ClinVar aggregate classification (germline): Uncertain significance (1 of 4 stars; one submission).

gnomAD v4.1: 1 of 1,614,180 alleles (0.000062%); highest among the groups gnomAD compares: Non-Finnish European, 0.000085%; no homozygotes.

Submission:

GeneDx
Classification: Uncertain significance. Last evaluated: 2024-07-14. Review status: criteria provided, single submitter. Criteria: GeneDx Variant Classification Process June 2021. Collection method: clinical testing. Allele origin: germline. Affected: yes.
Comment: Not observed at significant frequency in large population cohorts (gnomAD); In silico analysis supports that this missense variant has a deleterious effect on protein structure/function; In silico analysis suggests this variant may impact gene splicing. In the absence of RNA/functional studies, the actual effect of this sequence change is unknown.; Has not been previously published as pathogenic or benign to our knowledge

NM_032188.3(KAT8):c.663G>T (p.Lys221Asn)

Gene: KAT8 (lysine acetyltransferase 8; plus strand). Cytogenetic location: 16p11.2.
Variant type: single nucleotide variant.
Coding change: c.663G>T on transcript NM_032188.3 (MANE Select); coding-DNA position 663, G replaced by T.
Protein change: p.Lys221Asn; replaces lysine 221 with asparagine.
Molecular consequence: missense variant.
Genome position (GRCh38, 1-based): chr16:31,127,335, G>T. VCF-style: chr16-31127335-G-T. GRCh37 (hg19) VCF-style: chr16-31138656-G-T.
Other names: c.663G>T, p.Lys221Asn (NM_182958.4); short protein forms K221N.
Identifiers: ClinVar variation 2442712 (VCV002442712.3), dbSNP rs2057539560, ClinGen allele CA395673059.
Genomic context (GRCh38, chr16:31,127,335, plus strand): 5'-TGGGAAACAGCCCAAGCTCTGGCTCTGCGAGTACTGCCTCAAGTACATGAAATATGAGAA[G>T]AGCTACCGCTTCCACTTGGTGAGGCTGGGCCGGCCGGGCCGAGCTGGGCAGGGGCCCGGT-3'
Protein context (NP_115564.2, residues 211-231): EYCLKYMKYE[Lys221Asn]SYRFHLGQCQ